The following is an entry in ClinVar:

ClinVar aggregate classification (germline): Uncertain significance. Review status: criteria provided, multiple submitters, no conflicts (2 of 4 stars). 2 submissions from 2 submitters: Uncertain significance (2). Last evaluated 2025-10-15.

Conditions:
Inborn genetic diseases. Identifiers: MedGen C0950123, MeSH D030342.

Allele frequency attached by ClinVar (database versions not stated): gnomAD 0.00001.
gnomAD v4.1: 1 of 1,609,774 alleles (0.000062%); highest among the groups gnomAD compares: Non-Finnish European, 0.000085%; no homozygotes.

Submissions (2):

Ambry Genetics
Classification: Uncertain significance for Inborn genetic diseases. Last evaluated: 2025-10-15. Review status: criteria provided, single submitter. Criteria: Ambry Variant Classification Scheme 2023. Collection method: clinical testing. Allele origin: germline.

Women's Health and Genetics/Laboratory Corporation of America, LabCorp
Classification: Uncertain significance. Last evaluated: 2022-03-31. Review status: criteria provided, single submitter. Criteria: LabCorp Variant Classification Summary - May 2015. Collection method: clinical testing. Allele origin: germline.
Comment: Variant summary: KAT6A c.3740G>T (p.Ser1247Ile) results in a non-conservative amino acid change in the encoded protein sequence. Four of five in-silico tools predict a benign effect of the variant on protein function. The variant was absent in 239082 control chromosomes (gnomAD). The available data on variant occurrences in the general population are insufficient to allow any conclusion about variant significance. To our knowledge, no occurrence of c.3740G>T in individuals affected with Arboleda-Tham Syndrome and no experimental evidence demonstrating its impact on protein function have been reported. No clinical diagnostic laboratories have submitted clinical-significance assessments for this variant to ClinVar after 2014. Based on the evidence outlined above, the variant was classified as uncertain significance.

NM_006766.5(KAT6A):c.3740G>T (p.Ser1247Ile)

Gene: KAT6A (lysine acetyltransferase 6A; minus strand). Cytogenetic location: 8p11.21.
Variant type: single nucleotide variant.
Coding change: c.3740G>T on transcript NM_006766.5 (MANE Select); coding-DNA position 3740, G replaced by T.
Protein change: p.Ser1247Ile; replaces serine 1247 with isoleucine.
Molecular consequence: missense variant.
Genome position (GRCh38, 1-based): chr8:41,934,480, C>A on the plus strand (G>T on the coding strand, the complement: KAT6A is on the minus strand). VCF-style: chr8-41934480-C-A. GRCh37 (hg19) VCF-style: chr8-41791998-C-A.
Other names: c.3740G>T (NM_006766.3); short protein forms S1247I.
Identifiers: ClinVar variation 1677233 (VCV001677233.2), dbSNP rs1564005684, ClinGen allele CA371068482.